The following is an entry in ClinVar:

NM_002662.5(PLD1):c.2681A>G (p.Tyr894Cys)

Gene: PLD1 (phospholipase D1; minus strand). Cytogenetic location: 3q26.31.
Variant type: single nucleotide variant.
Coding change: c.2681A>G on transcript NM_002662.5 (MANE Select); coding-DNA position 2681, A replaced by G.
Protein change: p.Tyr894Cys; replaces tyrosine 894 with cysteine.
Molecular consequence: missense variant.
Genome position (GRCh38, 1-based): chr3:171,620,433, T>C on the plus strand (A>G on the coding strand, the complement: PLD1 is on the minus strand). VCF-style: chr3-171620433-T-C. GRCh37 (hg19) VCF-style: chr3-171338223-T-C.
Other names: c.2567A>G, p.Tyr856Cys (NM_001130081.3); short protein forms Y856C, Y894C.
Identifiers: ClinVar variation 2654277 (VCV002654277.25), dbSNP rs191205035, ClinGen allele CA2704153.

ClinVar aggregate classification (germline): Uncertain significance. Review status: criteria provided, multiple submitters, no conflicts (2 of 4 stars). 2 submissions from 2 submitters: Uncertain significance (2). Last evaluated 2026-04-15.

Conditions:
Cardiac valvular defect, developmental (CVDP1). Also called: CARDIAC VALVULAR DYSPLASIA 1. Identifiers: MedGen C5774175, MONDO:0008913, OMIM 212093.

gnomAD v4.1: 10 of 1,599,952 alleles (0.00063%); highest among the groups gnomAD compares: South Asian, 0.0045%; no homozygotes.

Submissions (2):

The Key Laboratory for Human Disease Gene Study of Sichuan Province, Sichuan Academy of Medical Sciences & Sichuan Provincial People’s Hospital
Classification: Uncertain significance for Cardiac valvular defect, developmental. Last evaluated: 2026-04-15. Review status: criteria provided, single submitter. Criteria: ACMG Guidelines, 2015. Collection method: clinical testing. Allele origin: germline. Inheritance: Autosomal recessive inheritance. Affected: yes. Observed: 1 variant allele, 1 compound heterozygote.
Comment: This is a missense variant resulting in p.Tyr894Cys substitution in PLD1. The variant is rare in population databases (gnomAD frequency 0.00001596, PM2_Supporting). The proband presents with congenital cardiac valvular defects, which is highly specific for PLD1-related CVDP1 (PP4). Therefore, based on ACMG/AMP guidelines, this variant is classified as Uncertain Significance (PM2_Supporting + PP4 + PM3).

CeGaT Center for Human Genetics Tuebingen
Classification: Uncertain significance. Last evaluated: 2022-11-01. Review status: criteria provided, single submitter. Criteria: CeGaT Center For Human Genetics Tuebingen Variant Classification Criteria Version 2. Collection method: clinical testing. Allele origin: germline. Affected: yes. Observed: 1 variant allele.
Comment: PLD1: PM5